The following is an entry in ClinVar:

ClinVar aggregate classification (germline): Likely pathogenic (0 of 4 stars; one submission).

Submission:

University of Washington Center for Mendelian Genomics, University of Washington
Classification: Likely pathogenic. Review status: no assertion criteria provided. Collection method: research. Allele origin: de novo. Affected: yes.
Comment: MN1 N-terminal truncating mutation/MN1 whole gene deletion

Literature cited by the submitters: PubMed 31834374.

Single allele

Genes: CHEK2 (checkpoint kinase 2; minus strand), MN1 (MN1 proto-oncogene, transcriptional regulator; minus strand), PITPNB (phosphatidylinositol transfer protein beta; minus strand), TTC28 (tetratricopeptide repeat domain 28; minus strand). Cytogenetic location: 22q12.1.
Variant type: Deletion.
Identifiers: ClinVar variation 979029 (VCV000979029.1).